The following is an entry in ClinVar:

ClinVar aggregate classification (germline): Uncertain significance. Review status: criteria provided, multiple submitters, no conflicts (2 of 4 stars). 2 submissions from 2 submitters: Uncertain significance (2). Last evaluated 2026-06-22.

Conditions:
Hereditary cancer-predisposing syndrome. Also called: Tumor predisposition; Hereditary neoplastic syndrome; Hereditary Cancer Syndrome; Neoplastic Syndromes, Hereditary. Identifiers: Orphanet 140162, MedGen C0027672, MeSH D009386, MONDO:0015356.
Tumor predisposition syndrome 3 (TPDS3). Also called: Glioma susceptibility 9; LONG TELOMERE SYNDROME, POT1-RELATED; POT1 Tumor Predisposition; Melanoma, cutaneous malignant, susceptibility to, 10. Identifiers: Orphanet 618, MedGen C4014476, MONDO:0014368, OMIM 615848.

Submissions (2):

Ambry Genetics
Classification: Uncertain significance for Hereditary cancer-predisposing syndrome. Last evaluated: 2026-06-22. Review status: criteria provided, single submitter. Criteria: Ambry Variant Classification Scheme 2023. Collection method: clinical testing. Allele origin: germline.
Comment: The p.W184S variant (also known as c.551G>C), located in coding exon 5 of the POT1 gene, results from a G to C substitution at nucleotide position 551. The tryptophan at codon 184 is replaced by serine, an amino acid with highly dissimilar properties. This amino acid position is conserved. In addition, this alteration is predicted to be deleterious by in silico analysis. Based on the available evidence, the clinical significance of this variant remains unclear.

Labcorp Genetics (formerly Invitae), Labcorp
Classification: Uncertain significance for Tumor predisposition syndrome 3. Last evaluated: 2024-12-24. Review status: criteria provided, single submitter. Criteria: Invitae Variant Classification Sherloc (09022015). Collection method: clinical testing. Allele origin: germline.
Comment: This sequence change replaces tryptophan, which is neutral and slightly polar, with serine, which is neutral and polar, at codon 184 of the POT1 protein (p.Trp184Ser). This variant is not present in population databases (gnomAD no frequency). This variant has not been reported in the literature in individuals affected with POT1-related conditions. Invitae Evidence Modeling of protein sequence and biophysical properties (such as structural, functional, and spatial information, amino acid conservation, physicochemical variation, residue mobility, and thermodynamic stability) indicates that this missense variant is not expected to disrupt POT1 protein function with a negative predictive value of 80%. In summary, the available evidence is currently insufficient to determine the role of this variant in disease. Therefore, it has been classified as a Variant of Uncertain Significance.

NM_015450.3(POT1):c.551G>C (p.Trp184Ser)

Gene: POT1 (protection of telomeres 1; minus strand). Cytogenetic location: 7q31.33.
Variant type: single nucleotide variant.
Coding change: c.551G>C on transcript NM_015450.3 (MANE Select); coding-DNA position 551, G replaced by C.
Protein change: p.Trp184Ser; replaces tryptophan 184 with serine.
Molecular consequence: missense variant. On other transcripts: non-coding transcript variant (3).
Genome position (GRCh38, 1-based): chr7:124,859,108, C>G on the plus strand (G>C on the coding strand, the complement: POT1 is on the minus strand). VCF-style: chr7-124859108-C-G. GRCh37 (hg19) VCF-style: chr7-124499162-C-G.
Other names: c.551G>C (NM_015450.2); c.158G>C, p.Trp53Ser (NM_001042594.2); short protein forms W184S, W53S.
Identifiers: ClinVar variation 3664791 (VCV003664791.3).
Genomic context (GRCh38, chr7:124,859,108, plus strand): 5'-TCAAGAACAAGGTCTTGTATTAAGACTCTCCAAGATGGAAATGGTGTCCTGGTGCCATCC[C>G]ATACCTGCCATAAGAGAGTAGAGTAGTTTTATGATCCTTTTGAAAAAATGCTTGTGCTAA-3'
Protein context (NP_056265.2, residues 174-194): VDGASFLLKV[Trp184Ser]DGTRTPFPSW